The following is an entry in ClinVar:

NM_021922.3(FANCE):c.521G>T (p.Gly174Val)

Gene: FANCE (FA complementation group E; plus strand). Cytogenetic location: 6p21.31.
Variant type: single nucleotide variant.
Coding change: c.521G>T on transcript NM_021922.3 (MANE Select); coding-DNA position 521, G replaced by T.
Protein change: p.Gly174Val; replaces glycine 174 with valine.
Molecular consequence: missense variant.
Genome position (GRCh38, 1-based): chr6:35,456,019, G>T. VCF-style: chr6-35456019-G-T. GRCh37 (hg19) VCF-style: chr6-35423796-G-T.
Other names: short protein forms G174V.
Identifiers: ClinVar variation 939255 (VCV000939255.7), dbSNP rs1014679374, ClinGen allele CA363773079.

ClinVar aggregate classification (germline): Uncertain significance (1 of 4 stars; one submission).

Conditions:
Fanconi anemia complementation group E (FANCE). Also called: FANCE-Related Fanconi Anemia. Identifiers: Orphanet 84, MedGen C3160739, MONDO:0010953, OMIM 600901.

Submission:

Labcorp Genetics (formerly Invitae), Labcorp
Classification: Uncertain significance for Fanconi anemia complementation group E. Last evaluated: 2021-08-26. Review status: criteria provided, single submitter. Criteria: Invitae Variant Classification Sherloc (09022015). Collection method: clinical testing. Allele origin: germline.
Comment: This sequence change replaces glycine with valine at codon 174 of the FANCE protein (p.Gly174Val). The glycine residue is highly conserved and there is a moderate physicochemical difference between glycine and valine. This variant is not present in population databases (ExAC no frequency). This variant has not been reported in the literature in individuals affected with FANCE-related conditions. Algorithms developed to predict the effect of missense changes on protein structure and function are either unavailable or do not agree on the potential impact of this missense change (SIFT: "Deleterious"; PolyPhen-2: "Probably Damaging"; Align-GVGD: "Class C0"). Algorithms developed to predict the effect of sequence changes on RNA splicing suggest that this variant may create or strengthen a splice site. In summary, the available evidence is currently insufficient to determine the role of this variant in disease. Therefore, it has been classified as a Variant of Uncertain Significance.